The following is an entry in ClinVar:

ClinVar aggregate classification (germline): Benign/Likely benign. Review status: criteria provided, multiple submitters, no conflicts (2 of 4 stars). 2 submissions from 2 submitters: Benign (1); Likely benign (1). Last evaluated 2025-12-16.

Conditions:
Developmental and epileptic encephalopathy, 25 (DEE25). Also called: Epileptic encephalopathy, early infantile, 25; Developmental and epileptic encephalopathy 25, with amelogenesis imperfecta; Epileptic encephalopathy, early infantile, 25, with amelogenesis imperfecta. Identifiers: Orphanet 442835, MedGen C4014621, MONDO:0014392, OMIM 615905.

Allele frequency attached by ClinVar (database versions not stated): gnomAD below 0.00001 and 0.00009; TOPMed 0.00005; 1000 Genomes Project 30x 0.00031; gnomAD exomes 0.00034; 1000 Genomes Project 0.00040; ExAC 0.00040.
gnomAD v4.1: 297 of 1,613,718 alleles (0.018%); highest among the groups gnomAD compares: South Asian, 0.28%; 4 homozygotes.

Submissions (2):

Labcorp Genetics (formerly Invitae), Labcorp
Classification: Benign for Developmental and epileptic encephalopathy, 25. Last evaluated: 2025-12-16. Review status: criteria provided, single submitter. Criteria: Invitae Variant Classification Sherloc (09022015). Collection method: clinical testing. Allele origin: germline.

GeneDx
Classification: Likely benign. Last evaluated: 2016-07-19. Review status: criteria provided, single submitter. Criteria: GeneDx Variant Classification (06012015). Collection method: clinical testing. Allele origin: germline. Affected: yes.
Comment: This variant is considered likely benign or benign based on one or more of the following criteria: it is a conservative change, it occurs at a poorly conserved position in the protein, it is predicted to be benign by multiple in silico algorithms, and/or has population frequency not consistent with disease.

NM_177550.5(SLC13A5):c.232-14G>A

Gene: SLC13A5 (solute carrier family 13 member 5; minus strand). Cytogenetic location: 17p13.1.
Variant type: single nucleotide variant.
Coding change: c.232-14G>A on transcript NM_177550.5 (MANE Select); 14 bases into the intron before coding-DNA position 232, G replaced by A.
Molecular consequence: intron variant.
Genome position (GRCh38, 1-based): chr17:6,706,792, C>T on the plus strand (G>A on the coding strand, the complement: SLC13A5 is on the minus strand). VCF-style: chr17-6706792-C-T. GRCh37 (hg19) VCF-style: chr17-6610111-C-T.
Other names: c.103-14G>A (NM_001284510.2); c.232-14G>A (NM_001284509.2, NM_001143838.3).
Identifiers: ClinVar variation 387834 (VCV000387834.9), dbSNP rs551601158, ClinGen allele CA8331800.